The following is an entry in ClinVar:

ClinVar aggregate classification (germline): Uncertain significance (1 of 4 stars; one submission).

Conditions:
Immunodeficiency 39 (IMD39). Identifiers: Orphanet 574918, MedGen C4225358, MONDO:0014597, OMIM 616345.

Allele frequency attached by ClinVar (database versions not stated): gnomAD exomes below 0.00001.

Submission:

Labcorp Genetics (formerly Invitae), Labcorp
Classification: Uncertain significance for Immunodeficiency 39. Last evaluated: 2020-12-18. Review status: criteria provided, single submitter. Criteria: Invitae Variant Classification Sherloc (09022015). Collection method: clinical testing. Allele origin: germline.
Comment: This variant has not been reported in the literature in individuals with IRF7-related conditions. This sequence change replaces methionine with valine at codon 120 of the IRF7 protein (p.Met120Val). The methionine residue is moderately conserved and there is a small physicochemical difference between methionine and valine. This variant is not present in population databases (ExAC no frequency). Algorithms developed to predict the effect of missense changes on protein structure and function (SIFT, PolyPhen-2, Align-GVGD) all suggest that this variant is likely to be tolerated, but these predictions have not been confirmed by published functional studies and their clinical significance is uncertain. In summary, the available evidence is currently insufficient to determine the role of this variant in disease. Therefore, it has been classified as a Variant of Uncertain Significance.

NM_001572.5(IRF7):c.319A>G (p.Met107Val)

Gene: IRF7 (interferon regulatory factor 7; minus strand). Cytogenetic location: 11p15.5.
Variant type: single nucleotide variant.
Coding change: c.319A>G on transcript NM_001572.5 (MANE Select); coding-DNA position 319, A replaced by G.
Protein change: p.Met107Val; replaces methionine 107 with valine.
Molecular consequence: missense variant.
Genome position (GRCh38, 1-based): chr11:614,872, T>C on the plus strand (A>G on the coding strand, the complement: IRF7 is on the minus strand). VCF-style: chr11-614872-T-C. GRCh37 (hg19) VCF-style: chr11-614872-T-C.
Other names: c.319A>G, p.Met107Val (NM_004029.4); c.358A>G, p.Met120Val (NM_004031.4); short protein forms M107V, M120V.
Identifiers: ClinVar variation 1474407 (VCV001474407.8), dbSNP rs2133147870, ClinGen allele CA378983092.